The following is an entry in ClinVar:

NM_004493.3(HSD17B10):c.498T>G (p.Ala166=)

Gene: HSD17B10 (hydroxysteroid 17-beta dehydrogenase 10; minus strand). Cytogenetic location: Xp11.22.
Variant type: single nucleotide variant.
Coding change: c.498T>G on transcript NM_004493.3 (MANE Select); coding-DNA position 498, T replaced by G.
Protein change: p.Ala166=; no amino-acid change (alanine 166 retained).
Molecular consequence: synonymous variant.
Genome position (GRCh38, 1-based): chrX:53,431,895, A>C on the plus strand (T>G on the coding strand, the complement: HSD17B10 is on the minus strand). VCF-style: chrX-53431895-A-C. GRCh37 (hg19) VCF-style: chrX-53458843-A-C.
Other names: c.498T>G, p.Ala166= (NM_001037811.2).
Identifiers: ClinVar variation 3049737 (VCV003049737.2), dbSNP rs2075826259, ClinGen allele CA516675064.
Genomic context (GRCh38, chrX:53,431,895, plus strand): 5'-CAGATCCCGAGCAATGGGCAGTGTCATGCCCACTATTCCCCCCTTGGAAGCAGAGTATGC[A>C]GCTTGTCCAACCTGGAGAAAGAGTAGAAGTCATAGGTGGGAGGGCCCCAACAAGTCACTT-3'
Protein context (NP_004484.1, residues 156-176): VAAFEGQVGQ[Ala166=]AYSASKGGIV

ClinVar aggregate classification (germline): Likely benign (0 of 4 stars; one submission).

Conditions:
HSD17B10-related disorder. Also called: HSD17B10-related condition.

Submission:

PreventionGenetics, part of Exact Sciences
Classification: Likely benign for HSD17B10-related condition. Last evaluated: 2023-01-05. Review status: no assertion criteria provided. Collection method: clinical testing. Allele origin: germline.
Comment: This variant is classified as likely benign based on ACMG/AMP sequence variant interpretation guidelines (Richards et al. 2015 PMID: 25741868, with internal and published modifications).